The following is an entry in ClinVar:

NM_203446.3(SYNJ1):c.63A>G (p.Ile21Met)

Gene: SYNJ1 (synaptojanin 1; minus strand). Cytogenetic location: 21q22.11.
Variant type: single nucleotide variant.
Coding change: c.63A>G on transcript NM_203446.3 (MANE Select); coding-DNA position 63, A replaced by G.
Protein change: p.Ile21Met; replaces isoleucine 21 with methionine.
Molecular consequence: missense variant.
Genome position (GRCh38, 1-based): chr21:32,726,833, T>C on the plus strand (A>G on the coding strand, the complement: SYNJ1 is on the minus strand). VCF-style: chr21-32726833-T-C. GRCh37 (hg19) VCF-style: chr21-34099144-T-C.
Other names: c.63A>G, p.Ile21Met (NM_001160302.2, NM_001160306.2); c.180A>G, p.Ile60Met (NM_003895.4); short protein forms I60M, I21M.
Identifiers: ClinVar variation 1506867 (VCV001506867.8), dbSNP rs759604797, ClinGen allele CA410078206.

ClinVar aggregate classification (germline): Uncertain significance (1 of 4 stars; one submission).

Conditions:
Developmental and epileptic encephalopathy, 53. Also called: Epileptic encephalopathy, early infantile, 53. Identifiers: MedGen C4479313, MONDO:0033362, OMIM 617389.
Early-onset Parkinson disease 20. Also called: PARKINSON DISEASE 20, AUTOSOMAL RECESSIVE EARLY-ONSET. Identifiers: Orphanet 391411, MedGen C3809824, MONDO:0014233, OMIM 615530.

gnomAD v4.1: 2 of 1,614,190 alleles (0.00012%); highest among the groups gnomAD compares: South Asian, 0.0011%; no homozygotes.

Submission:

Labcorp Genetics (formerly Invitae), Labcorp
Classification: Uncertain significance for Developmental and epileptic encephalopathy, 53; Early-onset Parkinson disease 20. Last evaluated: 2022-09-01. Review status: criteria provided, single submitter. Criteria: Invitae Variant Classification Sherloc (09022015). Collection method: clinical testing. Allele origin: germline.
Comment: This sequence change replaces isoleucine, which is neutral and non-polar, with methionine, which is neutral and non-polar, at codon 60 of the SYNJ1 protein (p.Ile60Met). This variant is present in population databases (no rsID available, gnomAD 0.0009%). This variant has not been reported in the literature in individuals affected with SYNJ1-related conditions. ClinVar contains an entry for this variant (Variation ID: 1506867). Algorithms developed to predict the effect of missense changes on protein structure and function output the following: SIFT: "Deleterious"; PolyPhen-2: "Benign"; Align-GVGD: "Class C0". The methionine amino acid residue is found in multiple mammalian species, which suggests that this missense change does not adversely affect protein function. In summary, the available evidence is currently insufficient to determine the role of this variant in disease. Therefore, it has been classified as a Variant of Uncertain Significance.